The following is an entry in ClinVar:

ClinVar aggregate classification (germline): Uncertain significance (1 of 4 stars; one submission).

Allele frequency attached by ClinVar (database versions not stated): gnomAD exomes below 0.00001; TOPMed below 0.00001; ExAC 0.00001; 1000 Genomes Project 0.00020; 1000 Genomes Project 30x 0.00031.
gnomAD v4.1: 2 of 1,566,566 alleles (0.00013%); highest among the groups gnomAD compares: Admixed American, 0.0018%; no homozygotes.

Submission:

Labcorp Genetics (formerly Invitae), Labcorp
Classification: Uncertain significance. Last evaluated: 2023-07-14. Review status: criteria provided, single submitter. Criteria: Invitae Variant Classification Sherloc (09022015). Collection method: clinical testing. Allele origin: germline.
Comment: In summary, the available evidence is currently insufficient to determine the role of this variant in disease. Therefore, it has been classified as a Variant of Uncertain Significance. An algorithm developed to predict the effect of missense changes on protein structure and function (PolyPhen-2) suggests that this variant is likely to be tolerated. ClinVar contains an entry for this variant (Variation ID: 1499555). This variant has not been reported in the literature in individuals affected with POLE2-related conditions. The frequency data for this variant in the population databases is considered unreliable, as metrics indicate poor data quality at this position in the gnomAD database. This sequence change replaces isoleucine, which is neutral and non-polar, with threonine, which is neutral and polar, at codon 320 of the POLE2 protein (p.Ile320Thr).

NM_002692.4(POLE2):c.959T>C (p.Ile320Thr)

Gene: POLE2 (DNA polymerase epsilon 2, accessory subunit; minus strand). Cytogenetic location: 14q21.3.
Variant type: single nucleotide variant.
Coding change: c.959T>C on transcript NM_002692.4 (MANE Select); coding-DNA position 959, T replaced by C.
Protein change: p.Ile320Thr; replaces isoleucine 320 with threonine.
Molecular consequence: missense variant.
Genome position (GRCh38, 1-based): chr14:49,655,064, A>G on the plus strand (T>C on the coding strand, the complement: POLE2 is on the minus strand). VCF-style: chr14-49655064-A-G. GRCh37 (hg19) VCF-style: chr14-50121782-A-G.
Other names: c.881T>C, p.Ile294Thr (NM_001197330.2); c.959T>C, p.Ile320Thr (NM_001197331.3, NM_001348384.2); c.728T>C, p.Ile243Thr (NM_001348385.2); short protein forms I243T, I294T, I320T.
Identifiers: ClinVar variation 1499555 (VCV001499555.8), dbSNP rs569827277, ClinGen allele CA7173432.